The following is an entry in ClinVar:

ClinVar aggregate classification (germline): Pathogenic/Likely pathogenic. Review status: criteria provided, multiple submitters, no conflicts (2 of 4 stars). 3 submissions from 3 submitters: Pathogenic (1); Likely pathogenic (2). Last evaluated 2025-11-24.

Conditions:
TTC37-related disorders.
Trichohepatoenteric syndrome 1 (THES1). Also called: DIARRHEA, FATAL INFANTILE, WITH TRICHORRHEXIS NODOSA. Identifiers: Orphanet 84064, MedGen C4551982, MONDO:0024541, OMIM 222470.

Submissions (3):

Labcorp Genetics (formerly Invitae), Labcorp
Classification: Pathogenic. Last evaluated: 2025-11-24. Review status: criteria provided, single submitter. Criteria: Invitae Variant Classification Sherloc (09022015). Collection method: clinical testing. Allele origin: germline.
Comment: This sequence change creates a premature translational stop signal (p.Ile276Metfs*3) in the TTC37 gene. It is expected to result in an absent or disrupted protein product. Loss-of-function variants in TTC37 are known to be pathogenic (PMID: 20176027, 21120949). This variant is present in population databases (rs766378178, gnomAD 0.004%). This premature translational stop signal has been observed in individual(s) with trichohepatoenteric syndrome (PMID: 29527791). ClinVar contains an entry for this variant (Variation ID: 1325251). For these reasons, this variant has been classified as Pathogenic.

Blueprint Genetics
Classification: Likely pathogenic for TTC37-related disorders. Last evaluated: 2024-08-30. Review status: criteria provided, single submitter. Criteria: ACMG Guidelines, 2015. Collection method: clinical testing. Allele origin: germline. Affected: yes. Observed: 5 variant alleles.

Revvity Omics, Revvity
Classification: Likely pathogenic for Trichohepatoenteric syndrome 1. Last evaluated: 2021-11-01. Review status: criteria provided, single submitter. Criteria: ACMG Guidelines, 2015. Collection method: clinical testing. Allele origin: germline.

Literature cited by the submitters: PubMed 20176027 (cited by Labcorp Genetics (formerly Invitae), Labcorp); PubMed 21120949 (cited by Labcorp Genetics (formerly Invitae), Labcorp); PubMed 29527791 (cited by Labcorp Genetics (formerly Invitae), Labcorp).

NM_014639.4(SKIC3):c.828del (p.Ile276fs)

Gene: SKIC3 (SKI3 subunit of superkiller complex; minus strand). Cytogenetic location: 5q15.
Variant type: Deletion.
Coding change: c.828del on transcript NM_014639.4 (MANE Select); coding-DNA position 828, one base deleted (T; older notation c.828delT).
Protein change: p.Ile276fs; shifts the reading frame from isoleucine 276.
Molecular consequence: frameshift variant.
Genome position (GRCh38, 1-based): chr5:95,530,153, A deleted on the plus strand (T on the coding strand, the reverse complement: SKIC3 is on the minus strand); the first of 2 consecutive A bases (chr5:95,530,153-95,530,154); deleting either gives the same sequence. VCF-style (leftmost placement, unchanged base first): chr5-95530152-CA-C. GRCh37 (hg19) VCF-style: chr5-94865856-CA-C.
Other names: short protein forms I276fs.
Identifiers: ClinVar variation 1325251 (VCV001325251.9), dbSNP rs766378178, ClinGen allele CA3347521.